The following is an entry in ClinVar:

NM_000632.4(ITGAM):c.2450A>T (p.Gln817Leu)

Gene: ITGAM (integrin subunit alpha M; plus strand). Cytogenetic location: 16p11.2.
Variant type: single nucleotide variant.
Coding change: c.2450A>T on transcript NM_000632.4 (MANE Select); coding-DNA position 2450, A replaced by T.
Protein change: p.Gln817Leu; replaces glutamine 817 with leucine.
Molecular consequence: missense variant.
Genome position (GRCh38, 1-based): chr16:31,325,349, A>T. VCF-style: chr16-31325349-A-T. GRCh37 (hg19) VCF-style: chr16-31336670-A-T.
Other names: c.2453A>T, p.Gln818Leu (NM_001145808.2); c.2450A>T (NM_000632.3); short protein forms Q818L, Q817L.
Identifiers: ClinVar variation 1463422 (VCV001463422.7), dbSNP rs371164374, ClinGen allele CA8025823.

ClinVar aggregate classification (germline): Uncertain significance. Review status: criteria provided, multiple submitters, no conflicts (2 of 4 stars). 2 submissions from 2 submitters: Uncertain significance (2). Last evaluated 2026-02-01.

Allele frequency attached by ClinVar (database versions not stated): ExAC 0.00004; ESP Exome Variant Server 0.00008; gnomAD exomes 0.00009 and 0.00002; TOPMed 0.00011; gnomAD 0.00014 and 0.00015.
gnomAD v4.1: 53 of 1,613,808 alleles (0.0033%); highest among the groups gnomAD compares: Middle Eastern, 0.12%; no homozygotes.

Submissions (2):

Labcorp Genetics (formerly Invitae), Labcorp
Classification: Uncertain significance. Last evaluated: 2026-02-01. Review status: criteria provided, single submitter. Criteria: Invitae Variant Classification Sherloc (09022015). Collection method: clinical testing. Allele origin: germline.
Comment: This sequence change replaces glutamine, which is neutral and polar, with leucine, which is neutral and non-polar, at codon 817 of the ITGAM protein (p.Gln817Leu). This variant is present in population databases (rs371164374, gnomAD 0.03%). This variant has not been reported in the literature in individuals affected with ITGAM-related conditions. ClinVar contains an entry for this variant (Variation ID: 1463422). An algorithm developed to predict the effect of missense changes on protein structure and function (PolyPhen-2) suggests that this variant is likely to be disruptive. In summary, the available evidence is currently insufficient to determine the role of this variant in disease. Therefore, it has been classified as a Variant of Uncertain Significance.

Ambry Genetics
Classification: Uncertain significance. Last evaluated: 2021-08-17. Review status: criteria provided, single submitter. Criteria: Ambry Variant Classification Scheme 2023. Collection method: clinical testing. Allele origin: germline.